The following is an entry in ClinVar:

ClinVar aggregate classification (germline): Uncertain significance (1 of 4 stars; one submission).

Conditions:
3-methylcrotonyl-CoA carboxylase 1 deficiency (MCC1D). Also called: MCCD TYPE 1; METHYLCROTONYLGLYCINURIA TYPE I; MCC 1 deficiency; 3 Alpha methylcrotonylglycinuria 1. Identifiers: Orphanet 6, MedGen CN028786, MONDO:0008861, OMIM 210200.

gnomAD v4.1: 6 of 1,614,148 alleles (0.00037%); highest among the groups gnomAD compares: Non-Finnish European, 0.00051%; no homozygotes.

Submission:

Labcorp Genetics (formerly Invitae), Labcorp
Classification: Uncertain significance for 3-methylcrotonyl-CoA carboxylase 1 deficiency. Last evaluated: 2024-05-23. Review status: criteria provided, single submitter. Criteria: Invitae Variant Classification Sherloc (09022015). Collection method: clinical testing. Allele origin: germline.
Comment: This sequence change falls in intron 5 of the MCCC1 gene. It does not directly change the encoded amino acid sequence of the MCCC1 protein. It affects a nucleotide within the consensus splice site. This variant is not present in population databases (gnomAD no frequency). This variant has not been reported in the literature in individuals affected with MCCC1-related conditions. Variants that disrupt the consensus splice site are a relatively common cause of aberrant splicing (PMID: 17576681, 9536098). Algorithms developed to predict the effect of sequence changes on RNA splicing suggest that this variant may disrupt the consensus splice site. In summary, the available evidence is currently insufficient to determine the role of this variant in disease. Therefore, it has been classified as a Variant of Uncertain Significance.

Literature cited by the submitters: PubMed 17576681; PubMed 9536098.

NM_020166.5(MCCC1):c.492-3A>G

Gene: MCCC1 (methylcrotonyl-CoA carboxylase subunit 1; minus strand). Cytogenetic location: 3q27.1.
Variant type: single nucleotide variant.
Coding change: c.492-3A>G on transcript NM_020166.5 (MANE Select); 3 bases into the intron before coding-DNA position 492, A replaced by G.
Molecular consequence: intron variant.
Genome position (GRCh38, 1-based): chr3:183,071,360, T>C on the plus strand (A>G on the coding strand, the complement: MCCC1 is on the minus strand). VCF-style: chr3-183071360-T-C. GRCh37 (hg19) VCF-style: chr3-182789148-T-C.
Other names: c.165-3A>G (NM_001363880.1); c.141-3A>G (NM_001293273.2).
Identifiers: ClinVar variation 3682537 (VCV003682537.2).